The following is an entry in ClinVar:

NM_002691.4(POLD1):c.1131G>A (p.Leu377=)

Gene: POLD1 (DNA polymerase delta 1, catalytic subunit; plus strand). Cytogenetic location: 19q13.33.
Variant type: single nucleotide variant.
Coding change: c.1131G>A on transcript NM_002691.4 (MANE Select); coding-DNA position 1131, G replaced by A.
Protein change: p.Leu377=; no amino-acid change (leucine 377 retained).
Molecular consequence: synonymous variant. On other transcripts: non-coding transcript variant (1).
Genome position (GRCh38, 1-based): chr19:50,403,213, G>A. VCF-style: chr19-50403213-G-A. GRCh37 (hg19) VCF-style: chr19-50906470-G-A.
Other names: c.1131G>A, p.Leu377= (NM_001256849.1, NM_001308632.1).
Identifiers: ClinVar variation 1728536 (VCV001728536.6), dbSNP rs2038731908, ClinGen allele CA508182849.

ClinVar aggregate classification (germline): Benign/Likely benign. Review status: criteria provided, multiple submitters, no conflicts (2 of 4 stars). 3 submissions from 3 submitters: Benign (1); Likely benign (2). Last evaluated 2025-02-05.

Conditions:
Hereditary cancer-predisposing syndrome. Also called: Neoplastic Syndromes, Hereditary; Tumor predisposition; Hereditary neoplastic syndrome; Hereditary Cancer Syndrome. Identifiers: Orphanet 140162, MedGen C0027672, MeSH D009386, MONDO:0015356.
POLD1-related polyposis and colorectal cancer syndrome (CRCS10). Also called: COLORECTAL CANCER, SUSCEPTIBILITY TO, ON CHROMOSOME 19q; Colorectal cancer 10; Colorectal cancer, susceptibility to, 10. Identifiers: Orphanet 220460, MedGen C2675481, MONDO:0012953, OMIM 612591.

Allele frequency attached by ClinVar (database versions not stated): gnomAD exomes below 0.00001.
gnomAD v4.1: 2 of 1,552,182 alleles (0.00013%); highest among the groups gnomAD compares: South Asian, 0.0012%; no homozygotes.

Submissions (3):

Myriad Genetics, Inc.
Classification: Benign for POLD1-related polyposis and colorectal cancer syndrome. Last evaluated: 2025-02-05. Review status: criteria provided, single submitter. Criteria: Myriad Autosomal Dominant, Autosomal Recessive and X-Linked Classification Criteria (2023). Collection method: clinical testing. Allele origin: unknown.
Comment: This variant is considered benign. This variant is a silent/synonymous amino acid change and it is not expected to impact splicing.

Labcorp Genetics (formerly Invitae), Labcorp
Classification: Likely benign for POLD1-related polyposis and colorectal cancer syndrome. Last evaluated: 2024-10-22. Review status: criteria provided, single submitter. Criteria: Invitae Variant Classification Sherloc (09022015). Collection method: clinical testing. Allele origin: germline.

Ambry Genetics
Classification: Likely benign for Hereditary cancer-predisposing syndrome. Last evaluated: 2020-12-04. Review status: criteria provided, single submitter. Criteria: Ambry Variant Classification Scheme 2023. Collection method: clinical testing. Allele origin: germline.